The following is an entry in ClinVar:

ClinVar aggregate classification (germline): Pathogenic (1 of 4 stars; one submission).

Submission:

Labcorp Genetics (formerly Invitae), Labcorp
Classification: Pathogenic. Last evaluated: 2024-02-16. Review status: criteria provided, single submitter. Criteria: Invitae Variant Classification Sherloc (09022015). Collection method: clinical testing. Allele origin: germline.
Comment: This sequence change creates a premature translational stop signal (p.His1244Alafs*47) in the UNC80 gene. It is expected to result in an absent or disrupted protein product. Loss-of-function variants in UNC80 are known to be pathogenic (PMID: 26545877, 26708751, 26708753). This variant is not present in population databases (gnomAD no frequency). This variant has not been reported in the literature in individuals affected with UNC80-related conditions. For these reasons, this variant has been classified as Pathogenic.

Literature cited by the submitters: PubMed 26545877; PubMed 26708751; PubMed 26708753.

NM_001371986.1(UNC80):c.3723dup (p.His1242fs)

Genes: UNC80 (unc-80 subunit of NALCN channel complex; plus strand), LOC121725110 (Sharpr-MPRA regulatory region 8902; plus strand). Cytogenetic location: 2q34.
Variant type: Duplication.
Coding change: c.3723dup on transcript NM_001371986.1 (MANE Select); coding-DNA position 3723, one base duplicated (G; older notation c.3723dupG).
Protein change: p.His1242fs; shifts the reading frame from histidine 1242.
Molecular consequence: frameshift variant.
Genome position (GRCh38, 1-based): chr2:209,872,853, G duplicated; the last of 3 consecutive G bases (chr2:209,872,851-209,872,853); duplicating any one gives the same sequence. VCF-style (leftmost placement, unchanged base first): chr2-209872850-A-AG. GRCh37 (hg19) VCF-style: chr2-210737574-A-AG.
Other names: c.3729dup, p.His1244fs (NM_032504.2); c.3714dup, p.His1239fs (NM_182587.4); short protein forms H1239fs, H1242fs, H1244fs.
Identifiers: ClinVar variation 3641407 (VCV003641407.2).